The following is an entry in ClinVar:

ClinVar aggregate classification (germline): Uncertain significance (1 of 4 stars; one submission).

Allele frequency attached by ClinVar (database versions not stated): ExAC 0.00001; gnomAD 0.00001.

Submission:

Labcorp Genetics (formerly Invitae), Labcorp
Classification: Uncertain significance. Last evaluated: 2022-07-12. Review status: criteria provided, single submitter. Criteria: Invitae Variant Classification Sherloc (09022015). Collection method: clinical testing. Allele origin: germline.
Comment: This variant is present in population databases (rs764686803, gnomAD 0.0009%). This sequence change replaces methionine, which is neutral and non-polar, with isoleucine, which is neutral and non-polar, at codon 1637 of the SZT2 protein (p.Met1637Ile). This variant has not been reported in the literature in individuals affected with SZT2-related conditions. In summary, the available evidence is currently insufficient to determine the role of this variant in disease. Therefore, it has been classified as a Variant of Uncertain Significance. Algorithms developed to predict the effect of missense changes on protein structure and function are either unavailable or do not agree on the potential impact of this missense change (SIFT: "Tolerated"; PolyPhen-2: "Probably Damaging"; Align-GVGD: "Class C0"). ClinVar contains an entry for this variant (Variation ID: 1397720).

NM_001365999.1(SZT2):c.5082G>C (p.Met1694Ile)

Gene: SZT2 (SZT2 subunit of KICSTOR complex; plus strand). Cytogenetic location: 1p34.2.
Variant type: single nucleotide variant.
Coding change: c.5082G>C on transcript NM_001365999.1 (MANE Select); coding-DNA position 5082, G replaced by C.
Protein change: p.Met1694Ile; replaces methionine 1694 with isoleucine.
Molecular consequence: missense variant.
Genome position (GRCh38, 1-based): chr1:43,431,517, G>C. VCF-style: chr1-43431517-G-C. GRCh37 (hg19) VCF-style: chr1-43897188-G-C.
Other names: c.4911G>C, p.Met1637Ile (NM_015284.4); short protein forms M1694I, M1637I.
Identifiers: ClinVar variation 1397720 (VCV001397720.6), dbSNP rs764686803, ClinGen allele CA809466.